The following is an entry in ClinVar:

ClinVar aggregate classification (germline): Uncertain significance (1 of 4 stars; one submission).

Allele frequency attached by ClinVar (database versions not stated): gnomAD exomes 0.00001 and 0.00002; TOPMed 0.00002.
gnomAD v4.1: 32 of 1,556,134 alleles (0.0021%); highest among the groups gnomAD compares: Non-Finnish European, 0.0027%; no homozygotes.

Submission:

Labcorp Genetics (formerly Invitae), Labcorp
Classification: Uncertain significance. Last evaluated: 2021-12-03. Review status: criteria provided, single submitter. Criteria: Invitae Variant Classification Sherloc (09022015). Collection method: clinical testing. Allele origin: germline.
Comment: In summary, the available evidence is currently insufficient to determine the role of this variant in disease. Therefore, it has been classified as a Variant of Uncertain Significance. Algorithms developed to predict the effect of missense changes on protein structure and function are either unavailable or do not agree on the potential impact of this missense change (SIFT: "Deleterious"; PolyPhen-2: "Probably Damaging"; Align-GVGD: "Class C15"). This variant has not been reported in the literature in individuals affected with EPS8L2-related conditions. The frequency data for this variant in the population databases is considered unreliable, as metrics indicate poor data quality at this position in the gnomAD database. This sequence change replaces proline, which is neutral and non-polar, with leucine, which is neutral and non-polar, at codon 148 of the EPS8L2 protein (p.Pro148Leu).

NM_022772.4(EPS8L2):c.443C>T (p.Pro148Leu)

Gene: EPS8L2 (EPS8 signaling adaptor L2; plus strand). Cytogenetic location: 11p15.5.
Variant type: single nucleotide variant.
Coding change: c.443C>T on transcript NM_022772.4 (MANE Select); coding-DNA position 443, C replaced by T.
Protein change: p.Pro148Leu; replaces proline 148 with leucine.
Molecular consequence: missense variant.
Genome position (GRCh38, 1-based): chr11:720,712, C>T. VCF-style: chr11-720712-C-T. GRCh37 (hg19) VCF-style: chr11-720712-C-T.
Other names: short protein forms P148L.
Identifiers: ClinVar variation 1494094 (VCV001494094.4), dbSNP rs1377255155, ClinGen allele CA378964882.
Genomic context (GRCh38, chr11:720,712, plus strand): 5'-ACCAGCTGCGCTACCCGTCTGTGCTGCTGCTCGTGTGCCAGGACTCGGAGCAGAGCAAGC[C>T]GGATGTCCACTTCTTCCACTGCGATGAGGTGGAGGTGAGGCGGTGCCGGGCGGGGCAGGG-3'
Protein context (NP_073609.2, residues 138-158): LVCQDSEQSK[Pro148Leu]DVHFFHCDEV